The following is an entry in ClinVar:

NM_006258.4(PRKG1):c.1811A>C (p.Asn604Thr)

Gene: PRKG1 (protein kinase cGMP-dependent 1; plus strand). Cytogenetic location: 10q21.1.
Variant type: single nucleotide variant.
Coding change: c.1811A>C on transcript NM_006258.4 (MANE Select); coding-DNA position 1811, A replaced by C.
Protein change: p.Asn604Thr; replaces asparagine 604 with threonine.
Molecular consequence: missense variant.
Genome position (GRCh38, 1-based): chr10:52,288,827, A>C. VCF-style: chr10-52288827-A-C. GRCh37 (hg19) VCF-style: chr10-54048587-A-C.
Other names: c.1766A>C, p.Asn589Thr (NM_001098512.3, LRG_1135t2); c.1811A>C, p.Asn604Thr (LRG_1135t1); short protein forms N589T, N604T.
Identifiers: ClinVar variation 264097 (VCV000264097.17), dbSNP rs886039042, ClinGen allele CA10587701.

ClinVar aggregate classification (germline): Conflicting classifications of pathogenicity. Review status: criteria provided, conflicting classifications (1 of 4 stars). 4 submissions from 4 submitters: Uncertain significance (3); Likely benign (1). Last evaluated 2026-09-01.

Conditions:
Aortic aneurysm, familial thoracic 8 (AAT8). Identifiers: MedGen C3809513, MONDO:0014187, OMIM 615436.
Familial thoracic aortic aneurysm and aortic dissection (TAAD). Also called: Thoracic aortic aneurysms and dissections. Identifiers: Orphanet 91387, MedGen C4707243, MONDO:0019625.

Allele frequency attached by ClinVar (database versions not stated): gnomAD exomes below 0.00001 and 0.00003; gnomAD 0.00001; TOPMed 0.00002.
gnomAD v4.1: 46 of 1,604,490 alleles (0.0029%); highest among the groups gnomAD compares: Non-Finnish European, 0.0038%; no homozygotes.

Submissions (4):

CeGaT Center for Human Genetics Tuebingen
Classification: Uncertain significance. Last evaluated: 2026-09-01. Review status: criteria provided, single submitter. Criteria: CeGaT Center For Human Genetics Tuebingen Variant Classification Criteria Version 2. Collection method: clinical testing. Allele origin: germline. Affected: yes. Observed: 1 variant allele.
Comment: PRKG1: PP2

Labcorp Genetics (formerly Invitae), Labcorp
Classification: Uncertain significance for Aortic aneurysm, familial thoracic 8. Last evaluated: 2024-12-28. Review status: criteria provided, single submitter. Criteria: Invitae Variant Classification Sherloc (09022015). Collection method: clinical testing. Allele origin: germline.
Comment: This sequence change replaces asparagine, which is neutral and polar, with threonine, which is neutral and polar, at codon 604 of the PRKG1 protein (p.Asn604Thr). This variant is present in population databases (no rsID available, gnomAD 0.0009%). This variant has not been reported in the literature in individuals affected with PRKG1-related conditions. ClinVar contains an entry for this variant (Variation ID: 264097). An algorithm developed to predict the effect of missense changes on protein structure and function (PolyPhen-2) suggests that this variant is likely to be tolerated. In summary, the available evidence is currently insufficient to determine the role of this variant in disease. Therefore, it has been classified as a Variant of Uncertain Significance.

Ambry Genetics
Classification: Likely benign for Familial thoracic aortic aneurysm and aortic dissection. Last evaluated: 2024-10-04. Review status: criteria provided, single submitter. Criteria: Ambry Variant Classification Scheme 2023. Collection method: clinical testing. Allele origin: germline.

Fulgent Genetics
Classification: Uncertain significance for Aortic aneurysm, familial thoracic 8. Last evaluated: 2022-01-11. Review status: criteria provided, single submitter. Criteria: ACMG Guidelines, 2015. Collection method: clinical testing. Allele origin: unknown.